The following is an entry in ClinVar:

ClinVar aggregate classification (germline): Likely pathogenic. Review status: criteria provided, multiple submitters, no conflicts (2 of 4 stars). 2 submissions from 2 submitters: Likely pathogenic (2). Last evaluated 2017-12-22.

Conditions:
Dilated cardiomyopathy 1G (CMD1G). Identifiers: Orphanet 154, MedGen C1858763, MONDO:0011400, OMIM 604145.
Autosomal recessive limb-girdle muscular dystrophy type 2J (LGMDR10). Also called: Limb-girdle muscular dystrophy, type 2J; MUSCULAR DYSTROPHY, LIMB-GIRDLE, AUTOSOMAL RECESSIVE 10. Identifiers: Orphanet 140922, MedGen C1837342, MONDO:0012127, OMIM 608807.
Cardiovascular phenotype. Identifiers: MedGen CN230736.

Submissions (2):

Labcorp Genetics (formerly Invitae), Labcorp
Classification: Likely pathogenic for Dilated cardiomyopathy 1G; Autosomal recessive limb-girdle muscular dystrophy type 2J. Last evaluated: 2017-12-22. Review status: criteria provided, single submitter. Criteria: Invitae Variant Classification Sherloc (09022015). Collection method: clinical testing. Allele origin: germline.
Comment: This variant has not been reported in the literature in individuals with TTN-related disease. For these reasons, this variant has been classified as Likely Pathogenic. A different variant (c.88421G>A) giving rise to the same protein effect observed here (p.Trp29474*) has been reported in individuals with dilated cardiomyopathy (PMID: 26084686), indicating that this residue may be critical for protein function. This variant is found in the A-band of this gene. While this particular variant has not been reported in the literature, truncating variants in the A-band of TTN are significantly overrepresented in patients with dilated cardiomyopathy and are considered to be likely pathogenic for the disease (PMID: 25589632). This variant is not present in population databases (ExAC no frequency). This sequence change results in a premature translational stop signal in the TTN gene (p.Trp29474*). While this is not anticipated to result in nonsense mediated decay, it is expected to delete the last 6,518 amino acids of the TTN protein.

Ambry Genetics
Classification: Likely pathogenic for Cardiovascular phenotype. Last evaluated: 2016-09-26. Review status: criteria provided, single submitter. Criteria: Ambry Variant Classification Scheme 2023. Collection method: clinical testing. Allele origin: germline.
Comment: The p.W20409* variant (also known as c.61227G>A), located in coding exon 158 of the TTN gene, results from a G to A substitution at nucleotide position 61227. This changes the amino acid from a tryptophan to a stop codon within coding exon 158, and is located in the A-band region of the N2-B isoform of the titin protein. An alteration of an adjacent nucleotide (c.61226G>A), also resulting in p.W20409*, has been previously detected in a dilated cardiomyopathy (DCM) cohort and was reported to segregate with disease in one family (Akinrinade O et al. Eur Heart J. 2015;36(34):2327-37 (reported as c.88421G>A p.Trp29474* due to alternate transcript nomenclature)). This variant was not reported in population based cohorts in the following databases: Database of Single Nucleotide Polymorphisms (dbSNP), NHLBI Exome Sequencing Project (ESP), and 1000 Genomes Project. In the ESP, this variant was not observed in 6005 samples (12010 alleles) with coverage at this position. Truncating alterations in TTN have been observed at a significantly higher frequency among patients with DCM, or 54/203 (27%), compared to patients with hypertrophic cardiomyopathy (3 of 231, 1%, P=3x10-16) and healthy controls (7 of 249, 3%, P=9x10-14). Among families with multiple relatives with DCM, studies also provided strong data demonstrating segregation of TTN truncations with disease (Herman DS et al. N Engl J Med. 2012;366(7):619-28; Pugh TJ et al. Genet Med. 2014;16(8):601-8). This alteration is expected to result in loss of function by premature protein truncation or nonsense-mediated mRNA decay. However, loss of function of TTN has not been clearly established as a mechanism of disease. As such, this variant is classified as likely pathogenic.

Literature cited by the submitters: PubMed 26084686 (cited by Labcorp Genetics (formerly Invitae), Labcorp); PubMed 25589632 (cited by Labcorp Genetics (formerly Invitae), Labcorp).

NM_001267550.2(TTN):c.88422G>A (p.Trp29474Ter)

Genes: TTN (titin; minus strand), TTN-AS1 (TTN antisense RNA 1; plus strand). Cytogenetic location: 2q31.2.
Variant type: single nucleotide variant.
Coding change: c.88422G>A on transcript NM_001267550.2 (MANE Select); coding-DNA position 88422, G replaced by A.
Protein change: p.Trp29474Ter; replaces tryptophan 29474 with a stop codon.
Molecular consequence: nonsense.
Genome position (GRCh38, 1-based): chr2:178,555,037, C>T on the plus strand (G>A on the coding strand, the complement: TTN is on the minus strand). VCF-style: chr2-178555037-C-T. GRCh37 (hg19) VCF-style: chr2-179419764-C-T.
Other names: c.83499G>A, p.Trp27833Ter (NM_001256850.1); c.61227G>A, p.Trp20409Ter (NM_003319.4); c.80718G>A, p.Trp26906Ter (NM_133378.4); c.61602G>A, p.Trp20534Ter (NM_133432.3); c.61803G>A, p.Trp20601Ter (NM_133437.4); short protein forms W20409*, W29474*, W20534*, W20601*, W26906*, W27833*.
Identifiers: ClinVar variation 518944 (VCV000518944.13), dbSNP rs1553547657, ClinGen allele CA349527671.
Genomic context (GRCh38, chr2:178,555,037, plus strand): 5'-GTCCGTGGTATTTTCAACACACACCAGTGCATTGGTTTGTAATTCTTTATCATCTTTATA[C>T]CACTCAATAGTAGGCGCAGGTTTGCCAGAAATGCCAGCTCTGAGCTTCACAGATGTACCT-3'